The following is an entry in ClinVar:

ClinVar aggregate classification (germline): Uncertain significance (1 of 4 stars; one submission).

Submission:

Labcorp Genetics (formerly Invitae), Labcorp
Classification: Uncertain significance. Last evaluated: 2023-02-01. Review status: criteria provided, single submitter. Criteria: Invitae Variant Classification Sherloc (09022015). Collection method: clinical testing. Allele origin: unknown.
Comment: In summary, the available evidence is currently insufficient to determine the role of this variant in disease. Therefore, it has been classified as a Variant of Uncertain Significance. This variant has not been reported in the literature in individuals affected with KRT6C-related conditions. This variant is a gross deletion of the genomic region encompassing exon(s) 7-8 of the KRT6C gene. This deletion is out-of-frame, and is expected to create a premature translational stop signal and result in an absent or disrupted protein product. However, the current clinical and genetic evidence is not sufficient to establish whether loss-of-function variants in KRT6C cause disease.

NC_000012.11:g.(?_52863175)_(52863694_?)del

Gene: KRT6C (keratin 6C; minus strand). Cytogenetic location: 12q13.13.
Variant type: Deletion.
Identifiers: ClinVar variation 3244446 (VCV003244446.1).